The following is an entry in ClinVar:

ClinVar aggregate classification (germline): Likely benign. Review status: criteria provided, multiple submitters, no conflicts (2 of 4 stars). 3 submissions from 3 submitters: Likely benign (2). 1 of the submissions does not count toward it. Last evaluated 2026-01-07.

Conditions:
GNAL-related disorder. Also called: GNAL-related condition.
Dystonic disorder. Also called: Dystonia. Identifiers: MedGen C0013421, MONDO:0003441, HP:0001332.
Dystonia 25 (DYT25). Also called: DYT-GNAL. Identifiers: Orphanet 329466, MedGen C4304670, MONDO:0014033, OMIM 615073.

Allele frequency attached by ClinVar (database versions not stated): gnomAD exomes 0.00002 and 0.00005; ExAC 0.00007; gnomAD 0.00028; TOPMed 0.00029; 1000 Genomes Project 30x 0.00047; 1000 Genomes Project 0.00060.
gnomAD v4.1: 72 of 1,609,280 alleles (0.0045%); highest among the groups gnomAD compares: African/African-American, 0.087%; no homozygotes.

Submissions (3):

Labcorp Genetics (formerly Invitae), Labcorp
Classification: Likely benign for Dystonic disorder. Last evaluated: 2026-01-07. Review status: criteria provided, single submitter. Criteria: Invitae Variant Classification Sherloc (09022015). Collection method: clinical testing. Allele origin: germline.

Fulgent Genetics
Classification: Likely benign for Dystonia 25. Last evaluated: 2022-04-04. Review status: criteria provided, single submitter. Criteria: ACMG Guidelines, 2015. Collection method: clinical testing. Allele origin: unknown.

PreventionGenetics, part of Exact Sciences
Classification: Likely benign for GNAL-related condition. Last evaluated: 2019-04-11. Review status: no assertion criteria provided. Collection method: clinical testing. Allele origin: germline. Not counted in ClinVar's aggregate classification.
Comment: This variant is classified as likely benign based on ACMG/AMP sequence variant interpretation guidelines (Richards et al. 2015 PMID: 25741868, with internal and published modifications).

NM_182978.4(GNAL):c.540A>G (p.Pro180=)

Gene: GNAL (G protein subunit alpha L; plus strand). Cytogenetic location: 18p11.21.
Variant type: single nucleotide variant.
Coding change: c.540A>G on transcript NM_182978.4 (MANE Select); coding-DNA position 540, A replaced by G.
Protein change: p.Pro180=; no amino-acid change (proline 180 retained).
Molecular consequence: synonymous variant.
Genome position (GRCh38, 1-based): chr18:11,753,861, A>G. VCF-style: chr18-11753861-A-G. GRCh37 (hg19) VCF-style: chr18-11753860-A-G.
Other names: c.309A>G, p.Pro103= (NM_001142339.3, NM_001261443.2, NM_001369387.1).
Identifiers: ClinVar variation 526226 (VCV000526226.12), dbSNP rs182262644, ClinGen allele CA8893920.
Genomic context (GRCh38, chr18:11,753,861, plus strand): 5'-TATTTTTTTTCTTATTCCATTTTAGACAATTGTTTCAGCAATGAGTACTATAATACCTCC[A>G]GTTCCGCTGGCCAACCCTGAAAACCAATTTCGATCAGACTACATCAAGAGCATAGCCCCT-3'
Protein context (NP_892023.1, residues 170-190): IVSAMSTIIP[Pro180=]VPLANPENQF